The following is an entry in ClinVar:

ClinVar aggregate classification (germline): Uncertain significance (1 of 4 stars; one submission).

Conditions:
Hereditary cancer-predisposing syndrome. Also called: Neoplastic Syndromes, Hereditary; Tumor predisposition; Hereditary Cancer Syndrome; Hereditary neoplastic syndrome. Identifiers: Orphanet 140162, MedGen C0027672, MeSH D009386, MONDO:0015356.

gnomAD v4.1: 3 of 1,614,060 alleles (0.00019%); highest among the groups gnomAD compares: South Asian, 0.0011%; no homozygotes.

Submission:

Ambry Genetics
Classification: Uncertain significance for Hereditary cancer-predisposing syndrome. Last evaluated: 2026-03-19. Review status: criteria provided, single submitter. Criteria: Ambry Variant Classification Scheme 2023. Collection method: clinical testing. Allele origin: germline.
Comment: The p.H105R variant (also known as c.314A>G), located in coding exon 2 of the SUFU gene, results from an A to G substitution at nucleotide position 314. The histidine at codon 105 is replaced by arginine, an amino acid with highly similar properties. This amino acid position is highly conserved in available vertebrate species. In addition, this alteration is predicted to be deleterious by in silico analysis. Based on the available evidence, the clinical significance of this variant remains unclear.

NM_016169.4(SUFU):c.314A>G (p.His105Arg)

Gene: SUFU (SUFU negative regulator of hedgehog signaling; plus strand). Cytogenetic location: 10q24.32.
Variant type: single nucleotide variant.
Coding change: c.314A>G on transcript NM_016169.4 (MANE Select); coding-DNA position 314, A replaced by G.
Protein change: p.His105Arg; replaces histidine 105 with arginine.
Molecular consequence: missense variant.
Genome position (GRCh38, 1-based): chr10:102,509,300, A>G. VCF-style: chr10-102509300-A-G. GRCh37 (hg19) VCF-style: chr10-104269057-A-G.
Other names: c.314A>G, p.His105Arg (NM_001178133.2); short protein forms H105R.
Identifiers: ClinVar variation 4865236 (VCV004865236.1).